The following is an entry in ClinVar:

NM_004168.4(SDHA):c.1260+6G>A

Gene: SDHA (succinate dehydrogenase complex flavoprotein subunit A; plus strand). Cytogenetic location: 5p15.33.
Variant type: single nucleotide variant.
Coding change: c.1260+6G>A on transcript NM_004168.4 (MANE Select); 6 bases into the intron after coding-DNA position 1260, G replaced by A.
Molecular consequence: intron variant.
Genome position (GRCh38, 1-based): chr5:235,345, G>A. VCF-style: chr5-235345-G-A. GRCh37 (hg19) VCF-style: chr5-235460-G-A.
Other names: c.1260+6G>A (NM_001330758.2); c.1116+6G>A (NM_001294332.2).
Identifiers: ClinVar variation 1444912 (VCV001444912.6), dbSNP rs2126585843, ClinGen allele CA2573139522.

ClinVar aggregate classification (germline): Uncertain significance (1 of 4 stars; one submission).

Conditions:
Mitochondrial complex II deficiency, nuclear type 1. Also called: SUCCINATE CoQ REDUCTASE DEFICIENCY. Identifiers: Orphanet 3208, MedGen C5700310, MONDO:0100294, OMIM 252011.
Pheochromocytoma/paraganglioma syndrome 5. Also called: Paragangliomas 5; SDHA-Related Hereditary Paraganglioma-Pheochromocytoma Syndrome. Identifiers: Orphanet 29072, MedGen C3279992, MONDO:0013602, OMIM 614165.

Submission:

Labcorp Genetics (formerly Invitae), Labcorp
Classification: Uncertain significance for Pheochromocytoma/paraganglioma syndrome 5; Mitochondrial complex II deficiency, nuclear type 1. Last evaluated: 2021-05-03. Review status: criteria provided, single submitter. Criteria: Invitae Variant Classification Sherloc (09022015). Collection method: clinical testing. Allele origin: germline.
Comment: This variant has not been reported in the literature in individuals with SDHA-related conditions. This sequence change falls in intron 9 of the SDHA gene. It does not directly change the encoded amino acid sequence of the SDHA protein. It affects a nucleotide within the consensus splice site of the intron. This variant is not present in population databases (ExAC no frequency). Nucleotide substitutions within the consensus splice site are a relatively common cause of aberrant splicing (PMID: 17576681, 9536098). Algorithms developed to predict the effect of sequence changes on RNA splicing suggest that this variant may disrupt the consensus splice site, but this prediction has not been confirmed by published transcriptional studies. In summary, the available evidence is currently insufficient to determine the role of this variant in disease. Therefore, it has been classified as a Variant of Uncertain Significance.

Literature cited by the submitters: PubMed 17576681; PubMed 9536098.